The following is an entry in ClinVar:

ClinVar aggregate classification (germline): Likely benign. Review status: criteria provided, single submitter (1 of 4 stars). 2 submissions from 2 submitters: Likely benign (1). 1 of the submissions does not count toward it. Last evaluated 2026-01-01.

Conditions:
TANC2-related disorder. Also called: TANC2-related condition.

Submissions (2):

CeGaT Center for Human Genetics Tuebingen
Classification: Likely benign. Last evaluated: 2026-01-01. Review status: criteria provided, single submitter. Criteria: CeGaT Center For Human Genetics Tuebingen Variant Classification Criteria Version 2. Collection method: clinical testing. Allele origin: germline. Affected: yes. Observed: 7 variant alleles.
Comment: TANC2: PM4, BS1

PreventionGenetics, part of Exact Sciences
Classification: Likely benign for TANC2-related condition. Last evaluated: 2019-06-17. Review status: no assertion criteria provided. Collection method: clinical testing. Allele origin: germline. Not counted in ClinVar's aggregate classification.
Comment: This variant is classified as likely benign based on ACMG/AMP sequence variant interpretation guidelines (Richards et al. 2015 PMID: 25741868, with internal and published modifications).

NM_001394998.1(TANC2):c.4400_4408del (p.Pro1467_Pro1469del)

Gene: TANC2 (tetratricopeptide repeat, ankyrin repeat and coiled-coil containing 2; plus strand). Cytogenetic location: 17q23.3.
Variant type: Deletion.
Coding change: c.4400_4408del on transcript NM_001394998.1 (MANE Select); coding-DNA positions 4400 to 4408, 9 bases deleted (CGCCACCGC; older notation c.4400_4408delCGCCACCGC).
Protein change: p.Pro1467_Pro1469del.
Molecular consequence: inframe deletion.
Genome position (GRCh38, 1-based): chr17:63,420,130-63,420,138, CGCCACCGC deleted; deleting any 9 consecutive bases within chr17:63,420,122-63,420,138 gives the same sequence; the c. name uses the placement nearest the transcript's 3' end. VCF-style (leftmost placement, unchanged base first): chr17-63420121-AGCCACCGCC-A. GRCh37 (hg19) VCF-style: chr17-61497482-AGCCACCGCC-A.
Other names: c.4178_4186del, p.Pro1393_Pro1395del (NM_001411076.1); c.4148_4156del, p.Pro1383_Pro1385del (NM_025185.4); c.4148_4156del9 (NM_025185.3).
Identifiers: ClinVar variation 2498721 (VCV002498721.29), dbSNP rs566549017, ClinGen allele CA8698234.
Genomic context (GRCh38, chr17:63,420,121, plus strand): 5'-AGATCCAGAGACTTCTGCTGAGAGTGGAAGAAGAGTGTAGACAGATGCAGCAGCCACAGC[AGCCACCGCC>A]GCCACCGCAGCCTCAGCAGCAGTTGCCGGAAGAAGCAGAACCTGAGCCACAGCATGAAGA-3'